The following is an entry in ClinVar:

NM_000392.5(ABCC2):c.1531-2A>G

Gene: ABCC2 (ATP binding cassette subfamily C member 2; plus strand). Cytogenetic location: 10q24.2.
Variant type: single nucleotide variant.
Coding change: c.1531-2A>G on transcript NM_000392.5 (MANE Select); the canonical splice acceptor site of the intron before coding-DNA position 1531, A replaced by G.
Molecular consequence: splice acceptor variant.
Genome position (GRCh38, 1-based): chr10:99,807,382, A>G. VCF-style: chr10-99807382-A-G. GRCh37 (hg19) VCF-style: chr10-101567139-A-G.
Other names: c.1531-2A>G (NM_000392.4).
Identifiers: ClinVar variation 2904072 (VCV002904072.6), dbSNP rs753329079, ClinGen allele CA5643218.

ClinVar aggregate classification (germline): Likely pathogenic. Review status: criteria provided, single submitter (1 of 4 stars). 2 submissions from 2 submitters: Likely pathogenic (1). 1 of the submissions does not count toward it. Last evaluated 2024-03-16.

Conditions:
ABCC2-related disorder. Also called: ABCC2-related condition.

Allele frequency attached by ClinVar (database versions not stated): ExAC 0.00001; gnomAD 0.00001; TOPMed 0.00001; gnomAD exomes 0.00002.
gnomAD v4.1: 23 of 1,613,972 alleles (0.0014%); highest among the groups gnomAD compares: Non-Finnish European, 0.0019%; no homozygotes.

Submissions (2):

Labcorp Genetics (formerly Invitae), Labcorp
Classification: Likely pathogenic. Last evaluated: 2024-03-16. Review status: criteria provided, single submitter. Criteria: Invitae Variant Classification Sherloc (09022015). Collection method: clinical testing. Allele origin: germline.
Comment: This sequence change affects an acceptor splice site in intron 11 of the ABCC2 gene. It is expected to disrupt RNA splicing. Variants that disrupt the donor or acceptor splice site typically lead to a loss of protein function (PMID: 16199547), and loss-of-function variants in ABCC2 are known to be pathogenic (PMID: 9185779, 16549534, 16952291). This variant is present in population databases (rs753329079, gnomAD 0.005%). This variant has not been reported in the literature in individuals affected with ABCC2-related conditions. Algorithms developed to predict the effect of sequence changes on RNA splicing suggest that this variant may disrupt the consensus splice site. In summary, the currently available evidence indicates that the variant is pathogenic, but additional data are needed to prove that conclusively. Therefore, this variant has been classified as Likely Pathogenic.

PreventionGenetics, part of Exact Sciences
Classification: Likely benign for ABCC2-related condition. Last evaluated: 2022-09-01. Review status: no assertion criteria provided. Collection method: clinical testing. Allele origin: germline. Not counted in ClinVar's aggregate classification.
Comment: This variant is classified as likely benign based on ACMG/AMP sequence variant interpretation guidelines (Richards et al. 2015 PMID: 25741868, with internal and published modifications).

Literature cited by the submitters: PubMed 16199547 (cited by Labcorp Genetics (formerly Invitae), Labcorp); PubMed 9185779 (cited by Labcorp Genetics (formerly Invitae), Labcorp); PubMed 16549534 (cited by Labcorp Genetics (formerly Invitae), Labcorp); PubMed 16952291 (cited by Labcorp Genetics (formerly Invitae), Labcorp).